The following is an entry in ClinVar:

ClinVar aggregate classification (germline): Likely pathogenic. Review status: criteria provided, single submitter (1 of 4 stars). 2 submissions from 2 submitters: Likely pathogenic (1). 1 of the submissions does not count toward it. Last evaluated 2023-03-09.

Conditions:
Neurodevelopmental disorder and structural brain anomalies with or without seizures and spasticity. Identifiers: MedGen C5394423, MONDO:0030046, OMIM 618890.
PTPN23-related disorder. Also called: PTPN23-related condition.

Submissions (2):

Women's Health and Genetics/Laboratory Corporation of America, LabCorp
Classification: Likely pathogenic for Neurodevelopmental disorder and structural brain anomalies with or without seizures and spasticity. Last evaluated: 2023-03-09. Review status: criteria provided, single submitter. Criteria: LabCorp Variant Classification Summary - May 2015. Collection method: clinical testing. Allele origin: germline.
Comment: Variant summary: PTPN23 c.1744C>T (p.Gln582X) results in a premature termination codon, predicted to cause a truncation of the encoded protein or absence of the protein due to nonsense mediated decay, which are commonly known mechanisms for disease. The variant was absent in 251334 control chromosomes. To our knowledge, no occurrence of c.1744C>T in individuals affected with Neurodevelopmental Disorder And Structural Brain Anomalies With Or Without Seizures And Spasticity and no experimental evidence demonstrating its impact on protein function have been reported. No clinical diagnostic laboratories have submitted clinical-significance assessments for this variant to ClinVar after 2014. Based on the evidence outlined above, the variant was classified as likely pathogenic.

PreventionGenetics, part of Exact Sciences
Classification: Likely pathogenic for PTPN23-related condition. Last evaluated: 2023-12-04. Review status: no assertion criteria provided. Collection method: clinical testing. Allele origin: germline. Not counted in ClinVar's aggregate classification.
Comment: The PTPN23 c.1744C>T variant is predicted to result in premature protein termination (p.Gln582*). To our knowledge, this variant has not been reported in the literature or in a large population database, indicating this variant is rare. Nonsense variants in PTPN23 are expected to be pathogenic. This variant is interpreted as likely pathogenic.

NM_015466.4(PTPN23):c.1744C>T (p.Gln582Ter)

Gene: PTPN23 (protein tyrosine phosphatase non-receptor type 23; plus strand). Cytogenetic location: 3p21.31.
Variant type: single nucleotide variant.
Coding change: c.1744C>T on transcript NM_015466.4 (MANE Select); coding-DNA position 1744, C replaced by T.
Protein change: p.Gln582Ter; replaces glutamine 582 with a stop codon.
Molecular consequence: nonsense.
Genome position (GRCh38, 1-based): chr3:47,409,264, C>T. VCF-style: chr3-47409264-C-T. GRCh37 (hg19) VCF-style: chr3-47450754-C-T.
Other names: c.1366C>T, p.Gln456Ter (NM_001304482.2); short protein forms Q456*, Q582*.
Identifiers: ClinVar variation 2501213 (VCV002501213.3), dbSNP rs2546247318, ClinGen allele CA352554834.